The following is an entry in ClinVar:

NM_032578.4(MYPN):c.3228G>T (p.Leu1076=)

Gene: MYPN (myopalladin; plus strand). Cytogenetic location: 10q21.3.
Variant type: single nucleotide variant.
Coding change: c.3228G>T on transcript NM_032578.4 (MANE Select); coding-DNA position 3228, G replaced by T.
Protein change: p.Leu1076=; no amino-acid change (leucine 1076 retained).
Molecular consequence: synonymous variant. On other transcripts: non-coding transcript variant (2).
Genome position (GRCh38, 1-based): chr10:68,197,421, G>T. VCF-style: chr10-68197421-G-T. GRCh37 (hg19) VCF-style: chr10-69957178-G-T.
Other names: c.3228G>T, p.Leu1076= (NM_001256267.2); c.2346G>T, p.Leu782= (NM_001256268.2); c.3228G>T (NM_032578.2).
Identifiers: ClinVar variation 380661 (VCV000380661.30), dbSNP rs746111226, ClinGen allele CA5522990.

ClinVar aggregate classification (germline): Likely benign. Review status: criteria provided, multiple submitters, no conflicts (2 of 4 stars). 6 submissions from 6 submitters: Likely benign (5). 1 of the submissions does not count toward it. Last evaluated 2025-12-02.

Conditions:
MYPN-related disorder. Also called: MYPN-related condition.
Dilated cardiomyopathy 1KK (CMD1KK). Identifiers: Orphanet 154, Orphanet 75249, MedGen C3714995, MONDO:0014100, OMIM 615248.
Cardiovascular phenotype. Identifiers: MedGen CN230736.

Allele frequency attached by ClinVar (database versions not stated): ExAC 0.00002; TOPMed 0.00002; gnomAD exomes 0.00003 and 0.00004.
gnomAD v4.1: 53 of 1,613,990 alleles (0.0033%); highest among the groups gnomAD compares: Admixed American, 0.01%; no homozygotes.

Submissions (6):

Labcorp Genetics (formerly Invitae), Labcorp
Classification: Likely benign for Dilated cardiomyopathy 1KK. Last evaluated: 2025-12-02. Review status: criteria provided, single submitter. Criteria: Invitae Variant Classification Sherloc (09022015). Collection method: clinical testing. Allele origin: germline.

CeGaT Center for Human Genetics Tuebingen
Classification: Likely benign. Last evaluated: 2024-10-01. Review status: criteria provided, single submitter. Criteria: CeGaT Center For Human Genetics Tuebingen Variant Classification Criteria Version 2. Collection method: clinical testing. Allele origin: germline. Affected: yes. Observed: 1 variant allele.
Comment: MYPN: BP4, BP7

Ambry Genetics
Classification: Likely benign for Cardiovascular phenotype. Last evaluated: 2023-07-05. Review status: criteria provided, single submitter. Criteria: Ambry Variant Classification Scheme 2023. Collection method: clinical testing. Allele origin: germline.

Blueprint Genetics
Classification: Likely benign. Last evaluated: 2023-05-05. Review status: criteria provided, single submitter. Criteria: ACMG Guidelines, 2015. Collection method: clinical testing. Allele origin: germline.

GeneDx
Classification: Likely benign. Last evaluated: 2017-11-15. Review status: criteria provided, single submitter. Criteria: GeneDx Variant Classification (06012015). Collection method: clinical testing. Allele origin: germline. Affected: yes.
Comment: This variant is considered likely benign or benign based on one or more of the following criteria: it is a conservative change, it occurs at a poorly conserved position in the protein, it is predicted to be benign by multiple in silico algorithms, and/or has population frequency not consistent with disease.

PreventionGenetics, part of Exact Sciences
Classification: Likely benign for MYPN-related condition. Last evaluated: 2020-10-26. Review status: no assertion criteria provided. Collection method: clinical testing. Allele origin: germline. Not counted in ClinVar's aggregate classification.
Comment: This variant is classified as likely benign based on ACMG/AMP sequence variant interpretation guidelines (Richards et al. 2015 PMID: 25741868, with internal and published modifications).